The following is an entry in ClinVar:

NM_080669.6(SLC46A1):c.392C>A (p.Ser131Tyr)

Gene: SLC46A1 (solute carrier family 46 member 1; minus strand). Cytogenetic location: 17q11.2.
Variant type: single nucleotide variant.
Coding change: c.392C>A on transcript NM_080669.6 (MANE Select); coding-DNA position 392, C replaced by A.
Protein change: p.Ser131Tyr; replaces serine 131 with tyrosine.
Molecular consequence: missense variant.
Genome position (GRCh38, 1-based): chr17:28,405,305, G>T on the plus strand (C>A on the coding strand, the complement: SLC46A1 is on the minus strand). VCF-style: chr17-28405305-G-T. GRCh37 (hg19) VCF-style: chr17-26732323-G-T.
Other names: c.392C>A, p.Ser131Tyr (NM_001242366.3); short protein forms S131Y.
Identifiers: ClinVar variation 1503001 (VCV001503001.4), dbSNP rs782164370, ClinGen allele CA8458337.

ClinVar aggregate classification (germline): Uncertain significance (1 of 4 stars; one submission).

Allele frequency attached by ClinVar (database versions not stated): gnomAD exomes below 0.00001 and 0.00002; TOPMed 0.00002.
gnomAD v4.1: 28 of 1,589,592 alleles (0.0018%); highest among the groups gnomAD compares: Middle Eastern, 0.033%; no homozygotes.

Submission:

Labcorp Genetics (formerly Invitae), Labcorp
Classification: Uncertain significance. Last evaluated: 2026-01-14. Review status: criteria provided, single submitter. Criteria: Invitae Variant Classification Sherloc (09022015). Collection method: clinical testing. Allele origin: germline.
Comment: This sequence change replaces serine, which is neutral and polar, with tyrosine, which is neutral and polar, at codon 131 of the SLC46A1 protein (p.Ser131Tyr). The frequency data for this variant in the population databases is considered unreliable, as metrics indicate poor data quality at this position in the gnomAD database. This variant has not been reported in the literature in individuals affected with SLC46A1-related conditions. ClinVar contains an entry for this variant (Variation ID: 1503001). Invitae Evidence Modeling of protein sequence and biophysical properties (such as structural, functional, and spatial information, amino acid conservation, physicochemical variation, residue mobility, and thermodynamic stability) indicates that this missense variant is not expected to disrupt SLC46A1 protein function with a negative predictive value of 80%. In summary, the available evidence is currently insufficient to determine the role of this variant in disease. Therefore, it has been classified as a Variant of Uncertain Significance.